The following is an entry in ClinVar:

ClinVar aggregate classification (germline): Likely benign. Review status: criteria provided, multiple submitters, no conflicts (2 of 4 stars). 5 submissions from 5 submitters: Likely benign (3). 2 of the submissions do not count toward it. Last evaluated 2026-01-04.

Allele frequency attached by ClinVar (database versions not stated): 1000 Genomes Project 30x 0.00016; 1000 Genomes Project 0.00020; TOPMed 0.00061; gnomAD exomes 0.00070 and 0.00097; gnomAD 0.00072; ExAC 0.00077; ESP Exome Variant Server 0.00100.
gnomAD v4.1: 1,513 of 1,614,202 alleles (0.094%); highest among the groups gnomAD compares: Non-Finnish European, 0.11%; 3 homozygotes.

Submissions (5):

Labcorp Genetics (formerly Invitae), Labcorp
Classification: Likely benign. Last evaluated: 2026-01-04. Review status: criteria provided, single submitter. Criteria: Invitae Variant Classification Sherloc (09022015). Collection method: clinical testing. Allele origin: germline.

CeGaT Center for Human Genetics Tuebingen
Classification: Likely benign. Last evaluated: 2025-11-01. Review status: criteria provided, single submitter. Criteria: CeGaT Center For Human Genetics Tuebingen Variant Classification Criteria Version 2. Collection method: clinical testing. Allele origin: germline. Affected: yes. Observed: 3 variant alleles.
Comment: NLRP1: BP4

Blueprint Genetics
Classification: Likely benign. Last evaluated: 2024-11-11. Review status: criteria provided, single submitter. Criteria: ACMG Guidelines, 2015. Collection method: clinical testing. Allele origin: germline.

Clinical Genetics DNA and cytogenetics Diagnostics Lab, Erasmus MC, Erasmus Medical Center
Classification: Likely benign. Review status: no assertion criteria provided. Collection method: clinical testing. Allele origin: germline. Affected: yes. Study: VKGL Data-share Consensus. Not counted in ClinVar's aggregate classification.

Genome Diagnostics Laboratory, University Medical Center Utrecht
Classification: Likely benign. Review status: no assertion criteria provided. Collection method: clinical testing. Allele origin: germline. Affected: yes. Study: VKGL Data-share Consensus. Not counted in ClinVar's aggregate classification.

NM_033004.4(NLRP1):c.3973G>A (p.Val1325Ile)

Gene: NLRP1 (NLR family pyrin domain containing 1; minus strand). Cytogenetic location: 17p13.2.
Variant type: single nucleotide variant.
Coding change: c.3973G>A on transcript NM_033004.4 (MANE Select); coding-DNA position 3973, G replaced by A.
Protein change: p.Val1325Ile; replaces valine 1325 with isoleucine.
Molecular consequence: missense variant.
Genome position (GRCh38, 1-based): chr17:5,517,830, C>T on the plus strand (G>A on the coding strand, the complement: NLRP1 is on the minus strand). VCF-style: chr17-5517830-C-T. GRCh37 (hg19) VCF-style: chr17-5421150-C-T.
Other names: c.3985G>A, p.Val1329Ile (NM_001033053.3); c.3841G>A, p.Val1281Ile (NM_014922.5); c.3883G>A, p.Val1295Ile (NM_033006.4); c.3751G>A, p.Val1251Ile (NM_033007.4); short protein forms V1329I, V1295I, V1325I, V1281I, V1251I.
Identifiers: ClinVar variation 870935 (VCV000870935.49), dbSNP rs144711602, ClinGen allele CA8326685.